The following is an entry in ClinVar:

NM_001306080.2(LMO7):c.1260T>C (p.His420=)

Gene: LMO7 (LIM domain 7; plus strand). Cytogenetic location: 13q22.2.
Variant type: single nucleotide variant.
Coding change: c.1260T>C on transcript NM_001306080.2 (MANE Select); coding-DNA position 1260, T replaced by C.
Protein change: p.His420=; no amino-acid change (histidine 420 retained).
Molecular consequence: synonymous variant. On other transcripts: intron variant (1).
Genome position (GRCh38, 1-based): chr13:75,807,543, T>C. VCF-style: chr13-75807543-T-C. GRCh37 (hg19) VCF-style: chr13-76381679-T-C.
Other names: c.561T>C, p.His187= (NM_001330583.1, NM_001366632.2, NM_015842.2); c.1134T>C, p.His378= (NM_001366633.2); c.279T>C, p.His93= (NM_001366634.2, NM_001366636.2); c.1071-1611T>C (NM_005358.5).
Identifiers: ClinVar variation 774709 (VCV000774709.19), dbSNP rs182908547, ClinGen allele CA7005487.

ClinVar aggregate classification (germline): Benign/Likely benign. Review status: criteria provided, multiple submitters, no conflicts (2 of 4 stars). 4 submissions from 4 submitters: Benign (2); Likely benign (1). 1 of the submissions does not count toward it. Last evaluated 2024-10-01.

Conditions:
LMO7-related disorder. Also called: LMO7-related condition.

Allele frequency attached by ClinVar (database versions not stated): 1000 Genomes Project 30x 0.00156; 1000 Genomes Project 0.00180; gnomAD 0.00275 and 0.00279; gnomAD exomes 0.00294 and 0.00503; TOPMed 0.00294; ExAC 0.00305; ESP Exome Variant Server 0.00398.
gnomAD v4.1: 7,797 of 1,613,916 alleles (0.48%); highest among the groups gnomAD compares: Non-Finnish European, 0.58%; 31 homozygotes.

Submissions (4):

CeGaT Center for Human Genetics Tuebingen
Classification: Likely benign. Last evaluated: 2024-10-01. Review status: criteria provided, single submitter. Criteria: CeGaT Center For Human Genetics Tuebingen Variant Classification Criteria Version 2. Collection method: clinical testing. Allele origin: germline. Affected: yes. Observed: 1 variant allele.
Comment: LMO7: BP4, BS2

Labcorp Genetics (formerly Invitae), Labcorp
Classification: Benign. Last evaluated: 2017-07-24. Review status: criteria provided, single submitter. Criteria: Invitae Variant Classification Sherloc (09022015). Collection method: clinical testing. Allele origin: germline.

Breakthrough Genomics
Classification: Benign. Review status: criteria provided, single submitter. Criteria: ACMG Guidelines, 2015. Collection method: not provided. Allele origin: germline. Inheritance: Unknown mechanism. Affected: yes.

PreventionGenetics, part of Exact Sciences
Classification: Benign for LMO7-related condition. Last evaluated: 2020-06-12. Review status: no assertion criteria provided. Collection method: clinical testing. Allele origin: germline. Not counted in ClinVar's aggregate classification.
Comment: This variant is classified as benign based on ACMG/AMP sequence variant interpretation guidelines (Richards et al. 2015 PMID: 25741868, with internal and published modifications).